The following is an entry in ClinVar:

ClinVar aggregate classification (germline): Pathogenic (1 of 4 stars; one submission).

Conditions:
Proximal 16p11.2 microdeletion syndrome. Also called: 16p11.2 Recurrent Deletion; CHROMOSOME 16p11.2 DELETION SYNDROME, 593-KB; Chromosome 16p11.2 deletion syndrome. Identifiers: Orphanet 261197, MedGen C3150154, MONDO:0012756, OMIM 611913.

Submission:

Genomics, Genetics and Epigenetics Laboratory, Medical College of Wisconsin
Classification: Pathogenic for Proximal 16p11.2 microdeletion syndrome. Last evaluated: 2025-06-30. Review status: criteria provided, single submitter. Criteria: ACMG Guidelines, 2015. Collection method: research. Allele origin: unknown. Affected: yes. Observed: 3 variant alleles.
Comment: This copy number variant involves at least 722 Kb from 16:29477897-30199899 and 27 protein-coding genes, though exact breakpoints were not determined. The variant was observed in two families. In the second family, the variant was de novo. 16p11.2 microdeletions are a recurrent type of rearrangment occurring betwen BP4 and BP5, most commonly spanning ~600 Kb and cause neurodevelopmental phenotypes and other congenital anomalies (PMID 39332410).

Literature cited by the submitters: PubMed 39332410; PubMed 41339071.

NC_000016.9:g.(?_29477897)_(30199899_?)del

Genes: ALDOA (aldolase, fructose-bisphosphate A; plus strand), ASPHD1 (aspartate beta-hydroxylase domain containing 1; plus strand), C16orf54 (chromosome 16 open reading frame 54; minus strand), CDIPT (CDP-diacylglycerol--inositol 3-phosphatidyltransferase; minus strand), CORO1A (coronin 1A; plus strand) and 22 more. Cytogenetic location: 16p11.2.
Variant type: Deletion.
Identifiers: ClinVar variation 4056087 (VCV004056087.1).